The following is an entry in ClinVar:

NM_000222.3(KIT):c.194A>G (p.Lys65Arg)

Gene: KIT (KIT proto-oncogene, receptor tyrosine kinase; plus strand). Cytogenetic location: 4q12.
Variant type: single nucleotide variant.
Coding change: c.194A>G on transcript NM_000222.3 (MANE Select); coding-DNA position 194, A replaced by G.
Protein change: p.Lys65Arg; replaces lysine 65 with arginine.
Molecular consequence: missense variant.
Genome position (GRCh38, 1-based): chr4:54,695,638, A>G. VCF-style: chr4-54695638-A-G. GRCh37 (hg19) VCF-style: chr4-55561804-A-G.
Other names: c.194A>G, p.Lys65Arg (NM_001093772.2, NM_001385284.1, NM_001385285.1 and 4 more transcripts); c.194A>G (NM_000222.2); short protein forms K65R.
Identifiers: ClinVar variation 1374535 (VCV001374535.10), dbSNP rs1560393475, ClinGen allele CA356897031.

ClinVar aggregate classification (germline): Uncertain significance. Review status: criteria provided, multiple submitters, no conflicts (2 of 4 stars). 2 submissions from 2 submitters: Uncertain significance (2). Last evaluated 2025-07-02.

Conditions:
Gastrointestinal stromal tumor. Also called: Gastrointestinal stroma tumor; Gastrointestinal stromal tumor, somatic. Identifiers: Orphanet 44890, MedGen C0238198, MeSH D046152, MONDO:0011719, OMIM 606764, HP:0100723.
Hereditary cancer-predisposing syndrome. Also called: Tumor predisposition; Hereditary Cancer Syndrome; Hereditary neoplastic syndrome; Neoplastic Syndromes, Hereditary. Identifiers: Orphanet 140162, MedGen C0027672, MeSH D009386, MONDO:0015356.

Allele frequency attached by ClinVar (database versions not stated): gnomAD exomes below 0.00001.
gnomAD v4.1: 1 of 1,614,234 alleles (0.000062%); highest among the groups gnomAD compares: Non-Finnish European, 0.000085%; no homozygotes.

Submissions (2):

Labcorp Genetics (formerly Invitae), Labcorp
Classification: Uncertain significance for Gastrointestinal stromal tumor. Last evaluated: 2025-07-02. Review status: criteria provided, single submitter. Criteria: Invitae Variant Classification Sherloc (09022015). Collection method: clinical testing. Allele origin: germline.
Comment: This sequence change replaces lysine, which is basic and polar, with arginine, which is basic and polar, at codon 65 of the KIT protein (p.Lys65Arg). This variant is not present in population databases (gnomAD no frequency). This variant has not been reported in the literature in individuals affected with KIT-related conditions. ClinVar contains an entry for this variant (Variation ID: 1374535). An algorithm developed to predict the effect of missense changes on protein structure and function outputs the following: PolyPhen-2: "Benign". The arginine amino acid residue is found in multiple mammalian species, which suggests that this missense change does not adversely affect protein function. In summary, the available evidence is currently insufficient to determine the role of this variant in disease. Therefore, it has been classified as a Variant of Uncertain Significance.

Ambry Genetics
Classification: Uncertain significance for Hereditary cancer-predisposing syndrome. Last evaluated: 2023-06-12. Review status: criteria provided, single submitter. Criteria: Ambry Variant Classification Scheme 2023. Collection method: clinical testing. Allele origin: germline.
Comment: The p.K65R variant (also known as c.194A>G), located in coding exon 2 of the KIT gene, results from an A to G substitution at nucleotide position 194. The lysine at codon 65 is replaced by arginine, an amino acid with highly similar properties. This amino acid position is conserved. In addition, this alteration is predicted to be tolerated by in silico analysis. Since supporting evidence is limited at this time, the clinical significance of this alteration remains unclear.